The following is an entry in ClinVar:

NM_001257357.2(RAB44):c.2039A>C (p.Lys680Thr)

Gene: RAB44 (RAB44, member RAS oncogene family; plus strand). Cytogenetic location: 6p21.2.
Variant type: single nucleotide variant.
Coding change: c.2039A>C on transcript NM_001257357.2 (MANE Select); coding-DNA position 2039, A replaced by C.
Protein change: p.Lys680Thr; replaces lysine 680 with threonine.
Molecular consequence: missense variant.
Genome position (GRCh38, 1-based): chr6:36,722,173, A>C. VCF-style: chr6-36722173-A-C. GRCh37 (hg19) VCF-style: chr6-36689950-A-C.
Other names: short protein forms K680T.
Identifiers: ClinVar variation 3897745 (VCV003897745.1).
Genomic context (GRCh38, chr6:36,722,173, plus strand): 5'-GTGAGCTGTCTGCCTTCCCCCACCAGGAGCTGGAAGAGGAACCCAGGTCTGAGGAAGGAA[A>C]ACAAGAGGGCAGAGGTGGGCAGGACCTCAGTTCAGAGCAGTCAGAGCAGTCGGTTGAGGC-3'
Protein context (NP_001244286.1, residues 670-690): LEEEPRSEEG[Lys680Thr]QEGRGGQDLS

ClinVar aggregate classification (oncogenicity): Uncertain significance (1 of 4 stars; one submission).

Conditions:
Meningioma. Also called: Meningioma, somatic. Identifiers: Orphanet 2495, MedGen C0025286, MONDO:0016642, HP:0002858.

Submission:

Dr. Guy Rouleau's laboratory, McGill University
Classification: Uncertain significance for Meningioma. Last evaluated: 2025-03-30. Review status: criteria provided, single submitter. Criteria: ClinGen/CGC/VICC Guidelines for Oncogenicity, 2022. Collection method: research. Allele origin: somatic. Affected: yes.
Comment: This missense variant, located at position 680 in the RAB44 gene, results in the substitution of Lysine (K), a basic amino acid, with Threonine (T), a neutral and polar amino acid. This somatic variant was identified in a paired tumor-blood sequencing study of meningiomas. It has not been reported in population databases (gnomAD v2.1.1: no frequency). Due to insufficient evidence, the clinical significance of this variant remains unknown